The following is an entry in ClinVar:

ClinVar aggregate classification (germline): Uncertain significance (1 of 4 stars; one submission).

Allele frequency attached by ClinVar (database versions not stated): gnomAD exomes 0.00001.

Submission:

Labcorp Genetics (formerly Invitae), Labcorp
Classification: Uncertain significance. Last evaluated: 2021-07-16. Review status: criteria provided, single submitter. Criteria: Invitae Variant Classification Sherloc (09022015). Collection method: clinical testing. Allele origin: germline.
Comment: This sequence change replaces threonine with isoleucine at codon 11 of the EFEMP1 protein (p.Thr11Ile). The threonine residue is highly conserved and there is a moderate physicochemical difference between threonine and isoleucine. This variant is not present in population databases (ExAC no frequency). This variant has not been reported in the literature in individuals affected with EFEMP1-related conditions. Algorithms developed to predict the effect of missense changes on protein structure and function (SIFT, PolyPhen-2, Align-GVGD) all suggest that this variant is likely to be tolerated. In summary, the available evidence is currently insufficient to determine the role of this variant in disease. Therefore, it has been classified as a Variant of Uncertain Significance.

NM_001039348.3(EFEMP1):c.32C>T (p.Thr11Ile)

Gene: EFEMP1 (EGF-like fibulin extracellular matrix protein 1; minus strand). Cytogenetic location: 2p16.1.
Variant type: single nucleotide variant.
Coding change: c.32C>T on transcript NM_001039348.3 (MANE Select); coding-DNA position 32, C replaced by T.
Protein change: p.Thr11Ile; replaces threonine 11 with isoleucine.
Molecular consequence: missense variant.
Genome position (GRCh38, 1-based): chr2:55,922,409, G>A on the plus strand (C>T on the coding strand, the complement: EFEMP1 is on the minus strand). VCF-style: chr2-55922409-G-A. GRCh37 (hg19) VCF-style: chr2-56149544-G-A.
Other names: c.32C>T, p.Thr11Ile (NM_001039349.3); short protein forms T11I.
Identifiers: ClinVar variation 1479031 (VCV001479031.8), dbSNP rs2104458538, ClinGen allele CA347027730.